The following is an entry in ClinVar:

NM_002528.7(NTHL1):c.-9G>A

Gene: NTHL1 (nth like DNA glycosylase 1; minus strand). Cytogenetic location: 16p13.3.
Variant type: single nucleotide variant.
Coding change: c.-9G>A on transcript NM_002528.7 (MANE Select); 9 bases upstream of the start codon, G replaced by A.
Molecular consequence: 5 prime UTR variant.
Genome position (GRCh38, 1-based): chr16:2,047,832, C>T on the plus strand (G>A on the coding strand, the complement: NTHL1 is on the minus strand). VCF-style: chr16-2047832-C-T. GRCh37 (hg19) VCF-style: chr16-2097833-C-T.
Other names: c.-9G>A (LRG_1366t1, NM_001318193.2); c.-187G>A (NM_001318194.2).
Identifiers: ClinVar variation 665581 (VCV000665581.13), dbSNP rs370913375, ClinGen allele CA027594.

ClinVar aggregate classification (germline): Conflicting classifications of pathogenicity. Review status: criteria provided, conflicting classifications (1 of 4 stars). 4 submissions from 4 submitters: Uncertain significance (3); Likely benign (1). Last evaluated 2026-01-10.

Conditions:
Hereditary cancer-predisposing syndrome. Also called: Tumor predisposition; Hereditary neoplastic syndrome; Neoplastic Syndromes, Hereditary; Hereditary Cancer Syndrome. Identifiers: Orphanet 140162, MedGen C0027672, MeSH D009386, MONDO:0015356.

Allele frequency attached by ClinVar (database versions not stated): gnomAD exomes 0.00001 and 0.00002; ExAC 0.00002; gnomAD 0.00005; TOPMed 0.00005; ESP Exome Variant Server 0.00008.
gnomAD v4.1: 38 of 1,594,518 alleles (0.0024%); highest among the groups gnomAD compares: East Asian, 0.0045%; no homozygotes.

Submissions (4):

Labcorp Genetics (formerly Invitae), Labcorp
Classification: Uncertain significance. Last evaluated: 2026-01-10. Review status: criteria provided, single submitter. Criteria: Invitae Variant Classification Sherloc (09022015). Collection method: clinical testing. Allele origin: germline.
Comment: This sequence change replaces glutamic acid, which is acidic and polar, with lysine, which is basic and polar, at codon 6 of the NTHL1 protein (p.Glu6Lys). This variant is present in population databases (rs370913375, gnomAD 0.005%). This variant has not been reported in the literature in individuals affected with NTHL1-related conditions. ClinVar contains an entry for this variant (Variation ID: 665581). An algorithm developed to predict the effect of missense changes on protein structure and function outputs the following: PolyPhen-2: "Benign". The lysine amino acid residue is found in multiple mammalian species, which suggests that this missense change does not adversely affect protein function. In summary, the available evidence is currently insufficient to determine the role of this variant in disease. Therefore, it has been classified as a Variant of Uncertain Significance.

GeneDx
Classification: Uncertain significance. Last evaluated: 2024-08-08. Review status: criteria provided, single submitter. Criteria: GeneDx Variant Classification Process June 2021. Collection method: clinical testing. Allele origin: germline. Affected: yes.
Comment: Not observed at significant frequency in large population cohorts (gnomAD); In silico analysis indicates that this missense variant does not alter protein structure/function; Has not been previously published as pathogenic or benign to our knowledge

Ambry Genetics
Classification: Likely benign for Hereditary cancer-predisposing syndrome. Last evaluated: 2024-03-22. Review status: criteria provided, single submitter. Criteria: Ambry Variant Classification Scheme 2023. Collection method: clinical testing. Allele origin: germline.

Quest Diagnostics Nichols Institute San Juan Capistrano
Classification: Uncertain significance. Last evaluated: 2023-10-05. Review status: criteria provided, single submitter. Criteria: Quest Diagnostics criteria. Collection method: clinical testing. Allele origin: unknown.